The following is an entry in ClinVar:

ClinVar aggregate classification (germline): Uncertain significance (1 of 4 stars; one submission).

gnomAD v4.1: 3 of 1,614,090 alleles (0.00019%); highest among the groups gnomAD compares: Non-Finnish European, 0.00025%; no homozygotes.

Submission:

GeneDx
Classification: Uncertain significance. Last evaluated: 2025-05-02. Review status: criteria provided, single submitter. Criteria: GeneDx Variant Classification Process June 2021. Collection method: clinical testing. Allele origin: germline. Affected: yes.
Comment: Not observed at significant frequency in large population cohorts (gnomAD); In silico analysis supports that this missense variant has a deleterious effect on protein structure/function; Has not been previously published as pathogenic or benign to our knowledge

NM_021224.6(ZNF462):c.6782A>G (p.Tyr2261Cys)

Gene: ZNF462 (zinc finger protein 462; plus strand). Cytogenetic location: 9q31.2.
Variant type: single nucleotide variant.
Coding change: c.6782A>G on transcript NM_021224.6 (MANE Select); coding-DNA position 6782, A replaced by G.
Protein change: p.Tyr2261Cys; replaces tyrosine 2261 with cysteine.
Molecular consequence: missense variant.
Genome position (GRCh38, 1-based): chr9:106,974,223, A>G. VCF-style: chr9-106974223-A-G. GRCh37 (hg19) VCF-style: chr9-109736504-A-G.
Other names: c.4187A>G, p.Tyr1396Cys (NM_001347997.2); short protein forms Y1396C, Y2261C.
Identifiers: ClinVar variation 4528039 (VCV004528039.1).